The following is an entry in ClinVar:

NM_016203.4(PRKAG2):c.682G>T (p.Ala228Ser)

Gene: PRKAG2 (protein kinase AMP-activated non-catalytic subunit gamma 2; minus strand). Cytogenetic location: 7q36.1.
Variant type: single nucleotide variant.
Coding change: c.682G>T on transcript NM_016203.4 (MANE Select); coding-DNA position 682, G replaced by T.
Protein change: p.Ala228Ser; replaces alanine 228 with serine.
Molecular consequence: missense variant.
Genome position (GRCh38, 1-based): chr7:151,675,422, C>A on the plus strand (G>T on the coding strand, the complement: PRKAG2 is on the minus strand). VCF-style: chr7-151675422-C-A. GRCh37 (hg19) VCF-style: chr7-151372508-C-A.
Other names: c.550G>T, p.Ala184Ser (NM_001040633.2); c.310G>T, p.Ala104Ser (NM_001304527.2, NM_001363698.2); short protein forms A228S, A104S, A184S.
Identifiers: ClinVar variation 1351959 (VCV001351959.8), dbSNP rs2151476444, ClinGen allele CA370186671.
Genomic context (GRCh38, chr7:151,675,422, plus strand): 5'-CTGCTCTGCCCTCCCTCTGCCACCCGGCAGCCCCACCCACAGAAGGGCCCAGACTTACGG[C>A]TTTGGAGGGAGCATAGTGTGTCGGTGATGCCAGTGGAGGCCTGGTCGGGCTCTGGAAGGA-3'
Protein context (NP_057287.2, residues 218-238): ASPTHYAPSK[Ala228Ser]AALAAALGPA

ClinVar aggregate classification (germline): Uncertain significance (1 of 4 stars; one submission).

Conditions:
Lethal congenital glycogen storage disease of heart. Also called: GLYCOGEN STORAGE DISEASE OF HEART; PHOSPHORYLASE KINASE DEFICIENCY OF HEART. Identifiers: Orphanet 439854, MedGen C1849813, MONDO:0009867, OMIM 261740.

Submission:

Labcorp Genetics (formerly Invitae), Labcorp
Classification: Uncertain significance for Lethal congenital glycogen storage disease of heart. Last evaluated: 2024-12-03. Review status: criteria provided, single submitter. Criteria: Invitae Variant Classification Sherloc (09022015). Collection method: clinical testing. Allele origin: germline.
Comment: This sequence change replaces alanine, which is neutral and non-polar, with serine, which is neutral and polar, at codon 228 of the PRKAG2 protein (p.Ala228Ser). This variant is not present in population databases (gnomAD no frequency). This variant has not been reported in the literature in individuals affected with PRKAG2-related conditions. ClinVar contains an entry for this variant (Variation ID: 1351959). Invitae Evidence Modeling of protein sequence and biophysical properties (such as structural, functional, and spatial information, amino acid conservation, physicochemical variation, residue mobility, and thermodynamic stability) indicates that this missense variant is not expected to disrupt PRKAG2 protein function with a negative predictive value of 95%. In summary, the available evidence is currently insufficient to determine the role of this variant in disease. Therefore, it has been classified as a Variant of Uncertain Significance.